The following is an entry in ClinVar:

NM_001042492.3(NF1):c.4616T>A (p.Met1539Lys)

Gene: NF1 (neurofibromin 1; plus strand). Cytogenetic location: 17q11.2.
Variant type: single nucleotide variant.
Coding change: c.4616T>A on transcript NM_001042492.3 (MANE Select); coding-DNA position 4616, T replaced by A.
Protein change: p.Met1539Lys; replaces methionine 1539 with lysine.
Molecular consequence: missense variant.
Genome position (GRCh38, 1-based): chr17:31,261,749, T>A. VCF-style: chr17-31261749-T-A. GRCh37 (hg19) VCF-style: chr17-29588767-T-A.
Other names: c.4553T>A, p.Met1518Lys (NM_000267.4); short protein forms M1518K, M1539K.
Identifiers: ClinVar variation 824996 (VCV000824996.4), dbSNP rs1567863578, ClinGen allele CA399000228.

ClinVar aggregate classification (germline): Uncertain significance (1 of 4 stars; one submission).

Conditions:
Hereditary cancer-predisposing syndrome. Also called: Neoplastic Syndromes, Hereditary; Tumor predisposition; Hereditary neoplastic syndrome; Hereditary Cancer Syndrome. Identifiers: Orphanet 140162, MedGen C0027672, MeSH D009386, MONDO:0015356.
Cardiovascular phenotype. Identifiers: MedGen CN230736.

Submission:

Ambry Genetics
Classification: Uncertain significance for Cardiovascular phenotype; Hereditary cancer-predisposing syndrome. Last evaluated: 2018-11-12. Review status: criteria provided, single submitter. Criteria: Ambry Variant Classification Scheme 2023. Collection method: clinical testing. Allele origin: germline.
Comment: The p.M1518K variant (also known as c.4553T>A), located in coding exon 34 of the NF1 gene, results from a T to A substitution at nucleotide position 4553. The methionine at codon 1518 is replaced by lysine, an amino acid with similar properties. This amino acid position is highly conserved in available vertebrate species. In addition, this alteration is predicted to be deleterious by in silico analysis. Since supporting evidence is limited at this time, the clinical significance of this alteration remains unclear.